The following is an entry in ClinVar:

ClinVar aggregate classification (germline): Uncertain significance (1 of 4 stars; one submission).

Submission:

Women's Health and Genetics/Laboratory Corporation of America, LabCorp
Classification: Uncertain significance. Last evaluated: 2021-07-27. Review status: criteria provided, single submitter. Criteria: LabCorp Variant Classification Summary - May 2015. Collection method: clinical testing. Allele origin: germline.
Comment: Variant summary: TTN c.46829G>T (p.Arg15610Leu) results in a non-conservative amino acid change located in the A-band domain of the encoded protein sequence. Four of five in-silico tools predict a benign effect of the variant on protein function. The variant was absent in 247512 control chromosomes (gnomAD). The available data on variant occurrences in the general population are insufficient to allow any conclusion about variant significance. To our knowledge, no occurrence of c.46829G>T in individuals affected with Dilated Cardiomyopathy and no experimental evidence demonstrating its impact on protein function have been reported. No clinical diagnostic laboratories have submitted clinical-significance assessments for this variant to ClinVar after 2014. Based on the evidence outlined above, the variant was classified as uncertain significance.

NM_001267550.2(TTN):c.54533G>T (p.Arg18178Leu)

Genes: TTN (titin; minus strand), TTN-AS1 (TTN antisense RNA 1; plus strand). Cytogenetic location: 2q31.2.
Variant type: single nucleotide variant.
Coding change: c.54533G>T on transcript NM_001267550.2 (MANE Select); coding-DNA position 54533, G replaced by T.
Protein change: p.Arg18178Leu; replaces arginine 18178 with leucine.
Molecular consequence: missense variant.
Genome position (GRCh38, 1-based): chr2:178,604,154, C>A on the plus strand (G>T on the coding strand, the complement: TTN is on the minus strand). VCF-style: chr2-178604154-C-A. GRCh37 (hg19) VCF-style: chr2-179468881-C-A.
Other names: c.49610G>T, p.Arg16537Leu (NM_001256850.1); c.27338G>T, p.Arg9113Leu (NM_003319.4); c.46829G>T, p.Arg15610Leu (NM_133378.4); c.27713G>T, p.Arg9238Leu (NM_133432.3); c.27914G>T, p.Arg9305Leu (NM_133437.4); short protein forms R15610L, R16537L, R18178L, R9113L, R9238L, R9305L.
Identifiers: ClinVar variation 1192239 (VCV001192239.1), dbSNP rs879023208, ClinGen allele CA349551764.